The following is an entry in ClinVar:

ClinVar aggregate classification (germline): Uncertain significance. Review status: criteria provided, multiple submitters, no conflicts (2 of 4 stars). 2 submissions from 2 submitters: Uncertain significance (2). Last evaluated 2021-05-06.

Conditions:
Agammaglobulinemia 4, autosomal recessive (AGM4). Also called: B cell linker protein deficiency; AGAMMAGLOBULINEMIA, AUTOSOMAL RECESSIVE, DUE TO BLNK DEFECT. Identifiers: MedGen C3150752, MONDO:0013289, OMIM 613502.

Allele frequency attached by ClinVar (database versions not stated): gnomAD exomes below 0.00001; ExAC 0.00001; TOPMed 0.00001.
gnomAD v4.1: 6 of 1,612,200 alleles (0.00037%); highest among the groups gnomAD compares: East Asian, 0.0022%; no homozygotes.

Submissions (2):

Labcorp Genetics (formerly Invitae), Labcorp
Classification: Uncertain significance for Agammaglobulinemia 4, autosomal recessive. Last evaluated: 2021-05-06. Review status: criteria provided, single submitter. Criteria: Invitae Variant Classification Sherloc (09022015). Collection method: clinical testing. Allele origin: germline.
Comment: This variant is present in population databases (rs782566012, ExAC 0.02%). In summary, the available evidence is currently insufficient to determine the role of this variant in disease. Therefore, it has been classified as a Variant of Uncertain Significance. Algorithms developed to predict the effect of missense changes on protein structure and function are either unavailable or do not agree on the potential impact of this missense change (SIFT: "Deleterious"; PolyPhen-2: "Probably Damaging"; Align-GVGD: "Class C0"). This variant has not been reported in the literature in individuals with BLNK-related conditions. ClinVar contains an entry for this variant (Variation ID: 439435). This sequence change replaces arginine with tryptophan at codon 372 of the BLNK protein (p.Arg372Trp). The arginine residue is highly conserved and there is a moderate physicochemical difference between arginine and tryptophan.

ARUP Laboratories, Molecular Genetics and Genomics, ARUP Laboratories
Classification: Uncertain significance. Last evaluated: 2016-10-04. Review status: criteria provided, single submitter. Criteria: ARUP Molecular Germline Variant Investigation Process. Collection method: clinical testing. Allele origin: germline.

NM_013314.4(BLNK):c.1114C>T (p.Arg372Trp)

Genes: BLNK (B cell linker; minus strand), ZNF518A (zinc finger protein 518A; plus strand). Cytogenetic location: 10q24.1.
Variant type: single nucleotide variant.
Coding change: c.1114C>T on transcript NM_013314.4 (MANE Select); coding-DNA position 1114, C replaced by T.
Protein change: p.Arg372Trp; replaces arginine 372 with tryptophan.
Molecular consequence: missense variant. On other transcripts: non-coding transcript variant (3), intron variant (3).
Genome position (GRCh38, 1-based): chr10:96,197,045, G>A on the plus strand (C>T on the coding strand, the complement: BLNK is on the minus strand). VCF-style: chr10-96197045-G-A. GRCh37 (hg19) VCF-style: chr10-97956801-G-A.
Other names: c.1045C>T, p.Arg349Trp (NM_001114094.2); c.780+3030C>T (NM_001258442.2); c.1026+3030C>T (NM_001258441.2); c.1095+3030C>T (NM_001258440.2); short protein forms R372W, R349W.
Identifiers: ClinVar variation 439435 (VCV000439435.14), dbSNP rs782566012, ClinGen allele CA5623173.